The following is an entry in ClinVar:

NM_000261.2(MYOC):c.366C>T (p.Gly122=)

Gene: MYOC (myocilin; minus strand). Cytogenetic location: 1q24.3.
Variant type: single nucleotide variant.
Coding change: c.366C>T on transcript NM_000261.2 (MANE Select); coding-DNA position 366, C replaced by T.
Protein change: p.Gly122=; no amino-acid change (glycine 122 retained).
Molecular consequence: synonymous variant.
Genome position (GRCh38, 1-based): chr1:171,652,246, G>A on the plus strand (C>T on the coding strand, the complement: MYOC is on the minus strand). VCF-style: chr1-171652246-G-A. GRCh37 (hg19) VCF-style: chr1-171621386-G-A.
Other names: NM_000261.2(MYOC):c.366C>T; p.Gly122=.
Identifiers: ClinVar variation 193067 (VCV000193067.25), dbSNP rs145354114, ClinGen allele CA238570.

ClinVar aggregate classification (germline): Likely benign. Review status: reviewed by expert panel (3 of 4 stars). 6 submissions from 6 submitters: Likely benign (1). 5 of the submissions do not count toward it. Last evaluated 2025-12-03.

Conditions:
MYOC-related disorder. Also called: MYOC-related condition; MYOC-related disorders. Identifiers: MedGen CN239330.
Open-angle glaucoma. Identifiers: MedGen C0017612, MONDO:0005338, HP:0012108.
Glaucoma 1, open angle, A (GLC1A). Also called: Glaucoma, Dominant (Juvenile Onset). Identifiers: Orphanet 98977, MedGen C1842028, MONDO:0007664, OMIM 137750.

Allele frequency attached by ClinVar (database versions not stated): 1000 Genomes Project 0.00140; 1000 Genomes Project 30x 0.00141; ESP Exome Variant Server 0.00208; gnomAD 0.00240 and 0.00244; ExAC 0.00241; TOPMed 0.00280.
gnomAD v4.1: 5,709 of 1,614,174 alleles (0.35%); highest among the groups gnomAD compares: Non-Finnish European, 0.4%; 22 homozygotes.

Submissions (6):

ClinGen Glaucoma Variant Curation Expert Panel
Classification: Likely benign for Open-angle glaucoma. Last evaluated: 2025-12-03. Review status: reviewed by expert panel. Criteria: ClinGen Glaucoma ACMG Specifications V2.0.0 Approved. Collection method: curation. Allele origin: germline. Inheritance: Autosomal dominant inheritance.
Comment: The c.366C>T variant in MYOC is a synonymous variant (p.Gly122=). The highest allele frequency of this variant was in the Ashkenazi Jewish genetic ancestry group of gnomAD (v4.1.0) = 0.006621, which met the ≥ 0.001 threshold set for BS1 (196 alleles out of 29,604, meeting the threshold of ≥5 of at least 2,000 observed alleles). The SpliceAI score = 0, which met the ≤ 0.1 threshold for BP4, suggesting that the variant does not impact MYOC function. This synonymous variant meets BP4, so BP7 is met. There was no functional evidence predicting a damaging or benign impact of this variant on MYOC function. Although probands with juvenile or primary open angle glaucoma have been reported carrying this variant, PM2_Supporting was not met, therefore PS4 did not apply. In summary, this variant met the criteria to receive a score of -6 and to be classified as likely benign (likely benign classification range -2 to -6, adapted from PMID: 32720330) for juvenile open angle glaucoma based on the ACMG/AMP criteria met, as specified by the ClinGen Glaucoma VCEP (v2.0.0, 5 Dec 2024): BS1, BP4, BP7

Labcorp Genetics (formerly Invitae), Labcorp
Classification: Benign. Last evaluated: 2025-10-03. Review status: criteria provided, single submitter. Criteria: Invitae Variant Classification Sherloc (09022015). Collection method: clinical testing. Allele origin: germline. Not counted in ClinVar's aggregate classification.

Illumina Laboratory Services, Illumina
Classification: Benign for Glaucoma 1, open angle, A. Last evaluated: 2017-04-27. Review status: criteria provided, single submitter. Criteria: ICSL Variant Classification Criteria 13 December 2019. Collection method: clinical testing. Allele origin: germline. Not counted in ClinVar's aggregate classification.
Comment: This variant was observed as part of a predisposition screen in an ostensibly healthy population. A literature search was performed for the gene, cDNA change, and amino acid change (where applicable). Publications were found based on this search. The evidence from the literature, in combination with allele frequency data from public databases where available, was sufficient to rule this variant out of causing disease. Therefore, this variant is classified as benign.

Eurofins Ntd Llc (ga)
Classification: Uncertain significance. Last evaluated: 2014-10-03. Review status: criteria provided, single submitter. Criteria: EGL Classification Definitions 2015. Collection method: clinical testing. Allele origin: germline. Observed: 1 variant allele, 1 heterozygote. Not counted in ClinVar's aggregate classification.

Breakthrough Genomics
Classification: Likely benign. Review status: criteria provided, single submitter. Criteria: ACMG Guidelines, 2015. Collection method: not provided. Allele origin: germline. Inheritance: Autosomal dominant inheritance. Affected: yes. Not counted in ClinVar's aggregate classification.

PreventionGenetics, part of Exact Sciences
Classification: Benign for MYOC-related condition. Last evaluated: 2019-06-10. Review status: no assertion criteria provided. Collection method: clinical testing. Allele origin: germline. Not counted in ClinVar's aggregate classification.
Comment: This variant is classified as benign based on ACMG/AMP sequence variant interpretation guidelines (Richards et al. 2015 PMID: 25741868, with internal and published modifications).

Literature cited by the submitters: PubMed 15851979 (cited by Illumina Laboratory Services, Illumina); PubMed 14627955 (cited by Illumina Laboratory Services, Illumina); PubMed 12868033 (cited by Illumina Laboratory Services, Illumina).